The following is an entry in ClinVar:

ClinVar aggregate classification (germline): Likely benign (1 of 4 stars; one submission).

Allele frequency attached by ClinVar (database versions not stated): TOPMed 0.00002; gnomAD 0.00007; gnomAD exomes 0.00013; 1000 Genomes Project 0.00020; ExAC 0.00029; 1000 Genomes Project 30x 0.00062.
gnomAD v4.1: 195 of 1,598,626 alleles (0.012%); highest among the groups gnomAD compares: South Asian, 0.19%; 2 homozygotes.

Submission:

CeGaT Center for Human Genetics Tuebingen
Classification: Likely benign. Last evaluated: 2023-12-01. Review status: criteria provided, single submitter. Criteria: CeGaT Center For Human Genetics Tuebingen Variant Classification Criteria Version 2. Collection method: clinical testing. Allele origin: germline. Affected: yes. Observed: 1 variant allele.
Comment: KRT8: BP4, BP7

NM_002273.4(KRT8):c.1356C>T (p.Phe452=)

Gene: KRT8 (keratin 8; minus strand). Cytogenetic location: 12q13.13.
Variant type: single nucleotide variant.
Coding change: c.1356C>T on transcript NM_002273.4 (MANE Select); coding-DNA position 1356, C replaced by T.
Protein change: p.Phe452=; no amino-acid change (phenylalanine 452 retained).
Molecular consequence: synonymous variant. On other transcripts: non-coding transcript variant (1).
Genome position (GRCh38, 1-based): chr12:52,897,524, G>A on the plus strand (C>T on the coding strand, the complement: KRT8 is on the minus strand). VCF-style: chr12-52897524-G-A. GRCh37 (hg19) VCF-style: chr12-53291308-G-A.
Other names: c.1440C>T, p.Phe480= (NM_001256282.2); c.1356C>T, p.Phe452= (NM_001256293.2).
Identifiers: ClinVar variation 3025808 (VCV003025808.22), dbSNP rs542852966, ClinGen allele CA6590240.